The following is an entry in ClinVar:

NM_000161.3(GCH1):c.11del (p.Gly4fs)

Genes: GCH1 (GTP cyclohydrolase 1; minus strand), LOC130055692 (ATAC-STARR-seq lymphoblastoid silent region 5776; plus strand). Cytogenetic location: 14q22.2.
Variant type: Deletion.
Coding change: c.11del on transcript NM_000161.3 (MANE Select); coding-DNA position 11, one base deleted (G; older notation c.11delG).
Protein change: p.Gly4fs; shifts the reading frame from glycine 4.
Molecular consequence: frameshift variant.
Genome position (GRCh38, 1-based): chr14:54,902,653, C deleted on the plus strand (G on the coding strand, the reverse complement: GCH1 is on the minus strand); the first of 3 consecutive C bases (chr14:54,902,653-54,902,655); deleting any one gives the same sequence. VCF-style (leftmost placement, unchanged base first): chr14-54902652-GC-G. GRCh37 (hg19) VCF-style: chr14-55369370-GC-G.
Other names: c.11del, p.Gly4fs (NM_001024024.2, NM_001024070.2, NM_001024071.2 and 1 more transcripts); short protein forms G4fs.
Identifiers: ClinVar variation 3382216 (VCV003382216.2).

ClinVar aggregate classification (germline): Likely pathogenic (1 of 4 stars; one submission).

Conditions:
Dystonia 5 (DRD). Also called: GTP Cyclohydrolase 1-Deficient Dopa-Responsive Dystonia; Dystonia, DOPA-responsive, with or without hyperphenylalaninemia; DYSTONIA, PROGRESSIVE, WITH DIURNAL VARIATION; DYSTONIA-PARKINSONISM WITH DIURNAL FLUCTUATION; DYT-GCH1. Identifiers: Orphanet 98808, MedGen C1851920, MONDO:0007495, OMIM 128230.
GTP cyclohydrolase I deficiency with hyperphenylalaninemia (HPABH4B). Also called: HYPERPHENYLALANINEMIA, TETRAHYDROBIOPTERIN-DEFICIENT, DUE TO GTP CYCLOHYDROLASE I DEFICIENCY; HYPERPHENYLALANINEMIA, BH4-DEFICIENT, B; Hyperphenylalaninemia, tetrahydrobiopterin-deficient, due to GTP cyclohydrolase 1 deficiency. Identifiers: Orphanet 2102, Orphanet 238583, MedGen CN305333, MONDO:0100186, OMIM 233910.

Submission:

Juno Genomics, Hangzhou Juno Genomics, Inc
Classification: Likely pathogenic for Dystonia 5; GTP cyclohydrolase I deficiency with hyperphenylalaninemia. Review status: criteria provided, single submitter. Criteria: ACMG Guidelines, 2015. Collection method: clinical testing. Allele origin: germline. Affected: yes.
Comment: Absent from controls (or at extremely low frequency if recessive) in Genome Aggregation Database, Exome Sequencing Project, 1000 Genomes Project, or Exome Aggregation Consortium.;Null variant in a gene where loss of function (LOF) is a known mechanism of disease.